The following is an entry in ClinVar:

NM_000057.4(BLM):c.1336A>C (p.Thr446Pro)

Gene: BLM (BLM RecQ like helicase; plus strand). Cytogenetic location: 15q26.1.
Variant type: single nucleotide variant.
Coding change: c.1336A>C on transcript NM_000057.4 (MANE Select); coding-DNA position 1336, A replaced by C.
Protein change: p.Thr446Pro; replaces threonine 446 with proline.
Molecular consequence: missense variant.
Genome position (GRCh38, 1-based): chr15:90,760,709, A>C. VCF-style: chr15-90760709-A-C. GRCh37 (hg19) VCF-style: chr15-91303939-A-C.
Other names: c.1336A>C, p.Thr446Pro (NM_001287246.2, NM_001287247.2); c.211A>C, p.Thr71Pro (NM_001287248.2); short protein forms T446P, T71P.
Identifiers: ClinVar variation 3347994 (VCV003347994.2).

ClinVar aggregate classification (germline): Uncertain significance. Review status: criteria provided, single submitter (1 of 4 stars). 2 submissions from 2 submitters: Uncertain significance (1). 1 of the submissions does not count toward it. Last evaluated 2025-05-15.

Conditions:
BLM-related disorder. Also called: BLM-related condition.
Hereditary cancer-predisposing syndrome. Also called: Tumor predisposition; Hereditary Cancer Syndrome; Hereditary neoplastic syndrome; Neoplastic Syndromes, Hereditary. Identifiers: Orphanet 140162, MedGen C0027672, MeSH D009386, MONDO:0015356.

Submissions (2):

Ambry Genetics
Classification: Uncertain significance for Hereditary cancer-predisposing syndrome. Last evaluated: 2025-05-15. Review status: criteria provided, single submitter. Criteria: Ambry Variant Classification Scheme 2023. Collection method: clinical testing. Allele origin: germline.
Comment: The p.T446P variant (also known as c.1336A>C), located in coding exon 6 of the BLM gene, results from an A to C substitution at nucleotide position 1336. The threonine at codon 446 is replaced by proline, an amino acid with highly similar properties. This amino acid position is conserved. In addition, this alteration is predicted to be tolerated by in silico analysis. Based on the available evidence, the clinical significance of this variant remains unclear.

PreventionGenetics, part of Exact Sciences
Classification: Uncertain significance for BLM-related condition. Last evaluated: 2024-03-08. Review status: no assertion criteria provided. Collection method: clinical testing. Allele origin: germline. Not counted in ClinVar's aggregate classification.
Comment: The BLM c.1336A>C variant is predicted to result in the amino acid substitution p.Thr446Pro. To our knowledge, this variant has not been reported in the literature or in a large population database, indicating this variant is rare. At this time, the clinical significance of this variant is uncertain due to the absence of conclusive functional and genetic evidence.